The following is an entry in ClinVar:

ClinVar aggregate classification (germline): Conflicting classifications of pathogenicity. Review status: criteria provided, conflicting classifications (1 of 4 stars). 9 submissions from 9 submitters: Pathogenic (1); Uncertain significance (8). Last evaluated 2026-01-21.

Conditions:
Cardiovascular phenotype. Identifiers: MedGen CN230736.
Cardiomyopathy (CMYO). Also called: Cardiomyopathies. Identifiers: Orphanet 167848, MedGen C0878544, MONDO:0004994, HP:0001638. Inheritance: Various modes of inheritance.
Hypertrophic cardiomyopathy 4. Also called: Familial hypertrophic cardiomyopathy 4. Identifiers: MedGen C1861862, MONDO:0007268, OMIM 115197.
Hypertrophic cardiomyopathy. Also called: HYPERTROPHIC MYOCARDIOPATHY. Identifiers: Orphanet 217569, MedGen C0007194, MeSH D002312, MONDO:0005045, HP:0001639.

Allele frequency attached by ClinVar (database versions not stated): gnomAD exomes 0.00002; gnomAD 0.00003; TOPMed 0.00003; ExAC 0.00010.

Submissions (9):

Labcorp Genetics (formerly Invitae), Labcorp
Classification: Pathogenic for Hypertrophic cardiomyopathy. Last evaluated: 2026-01-21. Review status: criteria provided, single submitter. Criteria: Invitae Variant Classification Sherloc (09022015). Collection method: clinical testing. Allele origin: germline.
Comment: This sequence change replaces proline, which is neutral and non-polar, with leucine, which is neutral and non-polar, at codon 102 of the MYBPC3 protein (p.Pro102Leu). This variant is present in population databases (rs730880610, gnomAD 0.02%). This missense change has been observed in individual(s) with hypertrophic cardiomyopathy and/or unexplained cardiac arrest (PMID: 23233322, 35352813; internal data). In at least one individual the variant was observed to be de novo. ClinVar contains an entry for this variant (Variation ID: 181030). An algorithm developed to predict the effect of missense changes on protein structure and function outputs the following: PolyPhen-2: "Benign". The leucine amino acid residue is found in multiple mammalian species, which suggests that this missense change does not adversely affect protein function. For these reasons, this variant has been classified as Pathogenic.

Ambry Genetics
Classification: Uncertain significance for Cardiovascular phenotype. Last evaluated: 2025-04-19. Review status: criteria provided, single submitter. Criteria: Ambry Variant Classification Scheme 2023. Collection method: clinical testing. Allele origin: germline.
Comment: The p.P102L variant (also known as c.305C>T), located in coding exon 3 of the MYBPC3 gene, results from a C to T substitution at nucleotide position 305. The proline at codon 102 is replaced by leucine, an amino acid with similar properties. This alteration has been reported in a hypertrophic cardiomyopathy (HCM) cohort (Kassem HSh et al. J Cardiovasc Transl Res, 2013 Feb;6:65-80). This amino acid position is well conserved in available vertebrate species. In addition, this alteration is predicted to be tolerated by in silico analysis. Based on the available evidence, the clinical significance of this variant remains unclear.

Color Diagnostics, LLC DBA Color Health
Classification: Uncertain significance for Cardiomyopathy. Last evaluated: 2024-12-17. Review status: criteria provided, single submitter. Criteria: ACMG Guidelines, 2015. Collection method: clinical testing. Allele origin: germline.
Comment: This missense variant replaces proline with leucine at codon 102 of the MYBPC3 protein. Computational prediction suggests that this variant may not impact protein structure and function. To our knowledge, functional studies have not been reported for this variant. This variant has been reported in at least two individuals affected with hypertrophic cardiomyopathy (PMID: 23233322; doi:10.25560/95088) as well as in several healthy individuals (doi:10.25560/95088). This variant has been identified in 2/107026 chromosomes in the general population by the Genome Aggregation Database (gnomAD). The available evidence is insufficient to determine the role of this variant in disease conclusively. Therefore, this variant is classified as a Variant of Uncertain Significance.

All of Us Research Program, National Institutes of Health
Classification: Uncertain significance for Hypertrophic cardiomyopathy. Last evaluated: 2024-09-23. Review status: criteria provided, single submitter. Criteria: ACMG Guidelines, 2015. Collection method: clinical testing. Allele origin: germline. Inheritance: Autosomal dominant inheritance. Observed: 9 variant alleles, 9 heterozygotes.
Comment: This missense variant replaces proline with leucine at codon 102 of the MYBPC3 protein. Computational prediction suggests that this variant may not impact protein structure and function (internally defined REVEL score threshold <= 0.5, PMID: 27666373). To our knowledge, functional studies have not been reported for this variant. This variant has been reported in at least two individuals affected with hypertrophic cardiomyopathy (PMID: 23233322; doi:10.25560/95088) as well as in several healthy individuals (doi:10.25560/95088). This variant has been identified in 2/107026 chromosomes in the general population by the Genome Aggregation Database (gnomAD). The available evidence is insufficient to determine the role of this variant in disease conclusively. Therefore, this variant is classified as a Variant of Uncertain Significance.

This study involves interpretation of variants in research participants for the purpose of population health screening. Participant phenotype was not available at the time of variant classification. Additional details can be found in publication PMID: 35346344, PMCID: PMC8962531

Blueprint Genetics
Classification: Uncertain significance. Last evaluated: 2020-09-15. Review status: criteria provided, single submitter. Criteria: ACMG Guidelines, 2015. Collection method: clinical testing. Allele origin: germline.

Mendelics
Classification: Uncertain significance for Hypertrophic cardiomyopathy 4. Last evaluated: 2019-05-28. Review status: criteria provided, single submitter. Criteria: Mendelics Assertion Criteria 2017. Collection method: clinical testing. Allele origin: unknown.

CHEO Genetics Diagnostic Laboratory, Children's Hospital of Eastern Ontario
Classification: Uncertain significance for Cardiomyopathy. Last evaluated: 2017-01-27. Review status: criteria provided, single submitter. Criteria: ACMG Guidelines, 2015. Collection method: clinical testing. Allele origin: germline. Study: Canadian Open Genetics Repository.

Laboratory for Molecular Medicine, Mass General Brigham Personalized Medicine
Classification: Uncertain significance. Last evaluated: 2016-06-16. Review status: criteria provided, single submitter. Criteria: LMM Criteria. Collection method: clinical testing. Allele origin: germline.
Comment: Variant identified in a genome or exome case(s) and assessed due to predicted null impact of the variant or pathogenic assertions in the literature or databases. Disclaimer: This variant has not undergone full assessment. The following are preliminary notes: Reported in 2 probands, no segs

GeneDx
Classification: Uncertain significance. Last evaluated: 2016-04-19. Review status: criteria provided, single submitter. Criteria: GeneDx Variant Classification (06012015). Collection method: clinical testing. Allele origin: germline. Affected: yes.
Comment: This variant was reported as 'de novo' in both of these individuals; however, specific family history information or data on parental testing was not provided (Kaseem et al., 2013). The P102L variant is a semi-conservative amino acid substitution, which may impact secondary protein structure as these residues differ in some properties. However, this substitution occurs at a position that is not conserved across species, and Leucine is the wild type amino acid at this position in at least two species. Furthermore, in silico analysis predicts this variant likely does not alter the protein structure/function. Data from control individuals was not available to assess whether P102L may be a common benign variant in the general population. Therefore, based on the currently available information, it is unclear whether this variant is pathogenic or benign.

Literature cited by the submitters: PubMed 23233322 (cited by 4 submitters); PubMed 35352813 (cited by Labcorp Genetics (formerly Invitae), Labcorp).

NM_000256.3(MYBPC3):c.305C>T (p.Pro102Leu)

Gene: MYBPC3 (myosin binding protein C3; minus strand). Cytogenetic location: 11p11.2.
Variant type: single nucleotide variant.
Coding change: c.305C>T on transcript NM_000256.3 (MANE Select); coding-DNA position 305, C replaced by T.
Protein change: p.Pro102Leu; replaces proline 102 with leucine.
Molecular consequence: missense variant.
Genome position (GRCh38, 1-based): chr11:47,350,603, G>A on the plus strand (C>T on the coding strand, the complement: MYBPC3 is on the minus strand). VCF-style: chr11-47350603-G-A. GRCh37 (hg19) VCF-style: chr11-47372154-G-A.
Other names: p.P102L:CCC>CTC; short protein forms P102L.
Identifiers: ClinVar variation 181030 (VCV000181030.27), dbSNP rs730880610, ClinGen allele CA013379.